The following is an entry in ClinVar:

NM_001558.4(IL10RA):c.8C>G (p.Pro3Arg)

Gene: IL10RA (interleukin 10 receptor subunit alpha; plus strand). Cytogenetic location: 11q23.3.
Variant type: single nucleotide variant.
Coding change: c.8C>G on transcript NM_001558.4 (MANE Select); coding-DNA position 8, C replaced by G.
Protein change: p.Pro3Arg; replaces proline 3 with arginine.
Molecular consequence: missense variant. On other transcripts: non-coding transcript variant (1).
Genome position (GRCh38, 1-based): chr11:117,986,475, C>G. VCF-style: chr11-117986475-C-G. GRCh37 (hg19) VCF-style: chr11-117857190-C-G.
Other names: short protein forms P3R.
Identifiers: ClinVar variation 947503 (VCV000947503.2), dbSNP rs56008037, ClinGen allele CA6298790.

ClinVar aggregate classification (germline): Uncertain significance (1 of 4 stars; one submission).

Conditions:
Inflammatory bowel disease 28. Also called: Inflammatory bowel disease 28, early onset, autosomal recessive. Identifiers: Orphanet 238569, MedGen C2751053, MONDO:0013153, OMIM 613148.

Allele frequency attached by ClinVar (database versions not stated): 1000 Genomes Project 30x 0.00016; 1000 Genomes Project 0.00020.
gnomAD v4.1: 24 of 1,555,080 alleles (0.0015%); highest among the groups gnomAD compares: South Asian, 0.018%; no homozygotes.

Submission:

Labcorp Genetics (formerly Invitae), Labcorp
Classification: Uncertain significance for Inflammatory bowel disease 28. Last evaluated: 2026-01-12. Review status: criteria provided, single submitter. Criteria: Invitae Variant Classification Sherloc (09022015). Collection method: clinical testing. Allele origin: germline.
Comment: This sequence change replaces proline, which is neutral and non-polar, with arginine, which is basic and polar, at codon 3 of the IL10RA protein (p.Pro3Arg). This variant is present in population databases (rs56008037, gnomAD 0.008%). This variant has not been reported in the literature in individuals affected with IL10RA-related conditions. ClinVar contains an entry for this variant (Variation ID: 947503). An algorithm developed to predict the effect of missense changes on protein structure and function outputs the following: PolyPhen-2: "Not Available". The arginine amino acid residue is found in multiple mammalian species, which suggests that this missense change does not adversely affect protein function. In summary, the available evidence is currently insufficient to determine the role of this variant in disease. Therefore, it has been classified as a Variant of Uncertain Significance.